The following is an entry in ClinVar:

NM_000051.4(ATM):c.4200G>A (p.Lys1400=)

Gene: ATM (ATM serine/threonine kinase; plus strand). Cytogenetic location: 11q22.3.
Variant type: single nucleotide variant.
Coding change: c.4200G>A on transcript NM_000051.4 (MANE Select); coding-DNA position 4200, G replaced by A.
Protein change: p.Lys1400=; no amino-acid change (lysine 1400 retained).
Molecular consequence: synonymous variant.
Genome position (GRCh38, 1-based): chr11:108,289,067, G>A. VCF-style: chr11-108289067-G-A. GRCh37 (hg19) VCF-style: chr11-108159794-G-A.
Other names: c.4200G>A, p.Lys1400= (NM_001351834.2).
Identifiers: ClinVar variation 2616198 (VCV002616198.6), dbSNP rs2546904714, ClinGen allele CA476673721.

ClinVar aggregate classification (germline): Benign/Likely benign. Review status: criteria provided, multiple submitters, no conflicts (2 of 4 stars). 3 submissions from 3 submitters: Benign (1); Likely benign (2). Last evaluated 2024-05-16.

Conditions:
Hereditary cancer-predisposing syndrome. Also called: Tumor predisposition; Neoplastic Syndromes, Hereditary; Hereditary Cancer Syndrome; Hereditary neoplastic syndrome. Identifiers: Orphanet 140162, MedGen C0027672, MeSH D009386, MONDO:0015356.
Ataxia-telangiectasia syndrome (AT). Also called: Cerebello-oculocutaneous telangiectasia; Immunodeficiency with ataxia telangiectasia; Ataxia-telangiectasia, complementation group D; ATAXIA-TELANGIECTASIA, COMPLEMENTATION GROUP A; ATAXIA-TELANGIECTASIA, FRESNO VARIANT; Ataxia-telangiectasia. Identifiers: Orphanet 100, MedGen C0004135, MONDO:0008840, OMIM 208900.
Familial cancer of breast. Also called: Hereditary breast cancer; hereditary breast carcinoma; BREAST CANCER, FAMILIAL. Identifiers: Orphanet 227535, MedGen C0346153, MONDO:0016419, OMIM 114480. Disease mechanism: loss of function.

Submissions (3):

Myriad Genetics, Inc.
Classification: Benign for Familial cancer of breast. Last evaluated: 2024-05-16. Review status: criteria provided, single submitter. Criteria: Myriad Autosomal Dominant, Autosomal Recessive and X-Linked Classification Criteria (2023). Collection method: clinical testing. Allele origin: unknown.
Comment: This variant is considered benign. This variant is a silent/synonymous amino acid change and it is not expected to impact splicing.

Labcorp Genetics (formerly Invitae), Labcorp
Classification: Likely benign for Ataxia-telangiectasia syndrome. Last evaluated: 2023-08-29. Review status: criteria provided, single submitter. Criteria: Invitae Variant Classification Sherloc (09022015). Collection method: clinical testing. Allele origin: germline.

Ambry Genetics
Classification: Likely benign for Hereditary cancer-predisposing syndrome. Last evaluated: 2023-06-24. Review status: criteria provided, single submitter. Criteria: Ambry Variant Classification Scheme 2023. Collection method: clinical testing. Allele origin: germline.